The following is an entry in ClinVar:

NM_002474.3(MYH11):c.1951C>T (p.Arg651Cys)

Gene: MYH11 (myosin heavy chain 11; minus strand). Cytogenetic location: 16p13.11.
Variant type: single nucleotide variant.
Coding change: c.1951C>T on transcript NM_002474.3 (MANE Select); coding-DNA position 1951, C replaced by T.
Protein change: p.Arg651Cys; replaces arginine 651 with cysteine.
Molecular consequence: missense variant.
Genome position (GRCh38, 1-based): chr16:15,750,245, G>A on the plus strand (C>T on the coding strand, the complement: MYH11 is on the minus strand). VCF-style: chr16-15750245-G-A. GRCh37 (hg19) VCF-style: chr16-15844102-G-A.
Other names: c.1972C>T, p.Arg658Cys (NM_001040113.2, NM_001040114.2); c.1951C>T, p.Arg651Cys (NM_022844.3); c.1951C>T (NM_002474.2); short protein forms R658C, R651C.
Identifiers: ClinVar variation 1499306 (VCV001499306.9), dbSNP rs1160451543, ClinGen allele CA394869048.
Genomic context (GRCh38, chr16:15,750,245, plus strand): 5'-TGTTGCGTAGCGTGGTCATCAGCTTGCCCAGCTGCTCCTTGTACAGCTGCCCCACTGTGC[G>A]GAACATGCCCTTCTTGGTCTTGGAGGCGCTGGGCAGCGAGCTCTCCGTCATCTTGGCCAT-3'
Protein context (NP_002465.1, residues 641-661): SASKTKKGMF[Arg651Cys]TVGQLYKEQL

ClinVar aggregate classification (germline): Uncertain significance. Review status: criteria provided, multiple submitters, no conflicts (2 of 4 stars). 4 submissions from 4 submitters: Uncertain significance (4). Last evaluated 2025-07-14.

Conditions:
Visceral myopathy 2. Identifiers: MedGen C5543466, MONDO:0859157, OMIM 619350.
Megacystis-microcolon-intestinal hypoperistalsis syndrome 2. Identifiers: MedGen C5543476, MONDO:0025708, OMIM 619351.
Aortic aneurysm, familial thoracic 4 (AAT4). Also called: AORTIC ANEURYSM/AORTIC DISSECTION AND PATENT DUCTUS ARTERIOSUS. Identifiers: MedGen C1851504, MONDO:0007568, OMIM 132900.
Familial thoracic aortic aneurysm and aortic dissection (TAAD). Also called: Thoracic aortic aneurysms and dissections. Identifiers: Orphanet 91387, MedGen C4707243, MONDO:0019625.

Allele frequency attached by ClinVar (database versions not stated): gnomAD exomes below 0.00001.
gnomAD v4.1: 8 of 1,614,198 alleles (0.0005%); highest among the groups gnomAD compares: Non-Finnish European, 0.00068%; no homozygotes.

Submissions (4):

GeneDx
Classification: Uncertain significance. Last evaluated: 2025-07-14. Review status: criteria provided, single submitter. Criteria: GeneDx Variant Classification Process June 2021. Collection method: clinical testing. Allele origin: germline. Affected: yes.
Comment: Has been identified in an individual with TAAD (PMID: 30739908); Not observed at significant frequency in large population cohorts (gnomAD); In silico analysis supports that this missense variant has a deleterious effect on protein structure/function; This variant is associated with the following publications: (PMID: 30739908)

Labcorp Genetics (formerly Invitae), Labcorp
Classification: Uncertain significance for Aortic aneurysm, familial thoracic 4. Last evaluated: 2025-04-17. Review status: criteria provided, single submitter. Criteria: Invitae Variant Classification Sherloc (09022015). Collection method: clinical testing. Allele origin: germline.
Comment: This sequence change replaces arginine, which is basic and polar, with cysteine, which is neutral and slightly polar, at codon 658 of the MYH11 protein (p.Arg658Cys). This variant is present in population databases (no rsID available, gnomAD no frequency). This missense change has been observed in individual(s) with non-syndromic heritable thoracic aortic aneurysms and dissections (PMID: 30739908). ClinVar contains an entry for this variant (Variation ID: 1499306). Invitae Evidence Modeling of protein sequence and biophysical properties (such as structural, functional, and spatial information, amino acid conservation, physicochemical variation, residue mobility, and thermodynamic stability) has been performed for this missense variant. However, the output from this modeling did not meet the statistical confidence thresholds required to predict the impact of this variant on MYH11 protein function. In summary, the available evidence is currently insufficient to determine the role of this variant in disease. Therefore, it has been classified as a Variant of Uncertain Significance.

Ambry Genetics
Classification: Uncertain significance for Familial thoracic aortic aneurysm and aortic dissection. Last evaluated: 2025-02-06. Review status: criteria provided, single submitter. Criteria: Ambry Variant Classification Scheme 2023. Collection method: clinical testing. Allele origin: germline.
Comment: The p.R651C variant (also known as c.1951C>T), located in coding exon 15 of the MYH11 gene, results from a C to T substitution at nucleotide position 1951. The arginine at codon 651 is replaced by cysteine, an amino acid with highly dissimilar properties. This variant, also known as c.1972C>T p.R658C, has been reported in an individual in a thoracic aortic aneurysm and dissection (TAAD) cohort, but clinical details were limited (Arnaud P et al. Genet Med, 2019 Sep;21:2015-2024). This amino acid position is highly conserved in available vertebrate species. In addition, this alteration is predicted to be deleterious by in silico analysis. Based on the available evidence, the clinical significance of this variant remains unclear.

Fulgent Genetics
Classification: Uncertain significance for Aortic aneurysm, familial thoracic 4; Visceral myopathy 2; Megacystis-microcolon-intestinal hypoperistalsis syndrome 2. Last evaluated: 2021-12-06. Review status: criteria provided, single submitter. Criteria: ACMG Guidelines, 2015. Collection method: clinical testing. Allele origin: unknown.

Literature cited by the submitters: PubMed 30739908 (cited by Labcorp Genetics (formerly Invitae), Labcorp and Ambry Genetics).